The following is an entry in ClinVar:

ClinVar aggregate classification (germline): Pathogenic. Review status: reviewed by expert panel (3 of 4 stars). 2 submissions from 2 submitters: Pathogenic (1). 1 of the submissions does not count toward it. Last evaluated 2026-06-23.

Conditions:
RPE65-related recessive retinopathy. Also called: Recessive RPE65 retinopathy. Identifiers: MedGen CN305526, MONDO:0100368.
Retinitis pigmentosa 20 (RP20). Identifiers: Orphanet 791, MedGen C3151086, MONDO:0013425, OMIM 613794.
Leber congenital amaurosis 2 (LCA2). Also called: AMAUROSIS CONGENITA OF LEBER II; Autosomal Recessive RPE65-Related Retinal Degeneration. Identifiers: Orphanet 65, MedGen C1859844, MONDO:0008765, OMIM 204100. Disease mechanism: loss of function.

gnomAD v4.1: 1 of 1,613,798 alleles (0.000062%); highest among the groups gnomAD compares: Non-Finnish European, 0.000085%; no homozygotes.

Submissions (2):

ClinGen Leber Congenital Amaurosis/early Onset Retinal Dystrophy Variant Curation Expert Panel, ClinGen
Classification: Pathogenic for RPE65-related recessive retinopathy. Last evaluated: 2026-06-23. Review status: reviewed by expert panel. Criteria: ClinGen LCAeoRD ACMG Specifications RPE65 V1.0.0. Collection method: curation. Allele origin: germline. Inheritance: Autosomal recessive inheritance.
Comment: NM_000329.3(RPE65):c.1398C>A (p.Tyr466Ter) is a nonsense variant that introduces a premature stop codon into exon 13 of 14, and is predicted to lead to nonsense-mediated decay in a gene in which loss-of-function is an established mechanism of disease (PVS1). This variant is present in gnomAD v.4.1.0 at a GrpMax allele frequency of 0.000001830, with 6 alleles / 1,613,836 total alleles in the European (non-Finnish) population, which is lower than the ClinGen LCA / eoRD VCEP PM2_Supporting threshold of <0.0002 (PM2_Supporting). At least one proband harboring this variant exhibits a phenotype including diagnosis of Leber's congenital amaurosis (0.5 pts) at less than 1 year of age (1 pt), nystagmus (1 pt), retinal pigment epithelial mottling (0.5 pts), decreased central visual acuity (1 pt), and decreased peripheral visual acuity (1 pt), with genetic testing by a 176-gene targeted retinal dystrophy panel that did not identify an alternative explanation for the visual impairment (2 pts), which together are specific for RPE65-related recessive retinopathy (total 6 points, PMID: 34492281, PP4). In summary, this variant meets the criteria to be classified as Pathogenic for RPE65-related recessive retinopathy based on the ACMG/AMP criteria applied, as specified by the ClinGen LCA/eoRD VCEP: PVS1, PM2_Supporting, and PP4. (VCEP specifications version 1.0.0; date of approval 09/21/2023)

Labcorp Genetics (formerly Invitae), Labcorp
Classification: Pathogenic for Leber congenital amaurosis 2; Retinitis pigmentosa 20. Last evaluated: 2022-05-29. Review status: criteria provided, single submitter. Criteria: Invitae Variant Classification Sherloc (09022015). Collection method: clinical testing. Allele origin: germline. Not counted in ClinVar's aggregate classification.
Comment: This sequence change creates a premature translational stop signal (p.Tyr466*) in the RPE65 gene. It is expected to result in an absent or disrupted protein product. Loss-of-function variants in RPE65 are known to be pathogenic (PMID: 9326941, 9501220, 9843205, 18632300). This variant is not present in population databases (gnomAD no frequency). This variant has not been reported in the literature in individuals affected with RPE65-related conditions. For these reasons, this variant has been classified as Pathogenic.

Literature cited by the submitters: PubMed 9326941 (cited by Labcorp Genetics (formerly Invitae), Labcorp); PubMed 9501220 (cited by Labcorp Genetics (formerly Invitae), Labcorp); PubMed 9843205 (cited by Labcorp Genetics (formerly Invitae), Labcorp); PubMed 18632300 (cited by Labcorp Genetics (formerly Invitae), Labcorp).

NM_000329.3(RPE65):c.1398C>A (p.Tyr466Ter)

Gene: RPE65 (retinoid isomerohydrolase RPE65; minus strand). Cytogenetic location: 1p31.3.
Variant type: single nucleotide variant.
Coding change: c.1398C>A on transcript NM_000329.3 (MANE Select); coding-DNA position 1398, C replaced by A.
Protein change: p.Tyr466Ter; replaces tyrosine 466 with a stop codon.
Molecular consequence: nonsense.
Genome position (GRCh38, 1-based): chr1:68,431,117, G>T on the plus strand (C>A on the coding strand, the complement: RPE65 is on the minus strand). VCF-style: chr1-68431117-G-T. GRCh37 (hg19) VCF-style: chr1-68896800-G-T.
Other names: NM_000329.3(RPE65):c.1398C>A; p.Tyr466Ter; c.1290C>A, p.Tyr430Ter (NM_001406853.1); c.1122C>A, p.Tyr374Ter (NM_001406856.1, NM_001406857.1); short protein forms Y430*, Y466*, Y374*.
Identifiers: ClinVar variation 2000377 (VCV002000377.5), dbSNP rs764189309, ClinGen allele CA340741973.